The following is an entry in ClinVar:

NM_032898.5(CEP19):c.283C>T (p.Arg95Trp)

Gene: CEP19 (centrosomal protein 19; minus strand). Cytogenetic location: 3q29.
Variant type: single nucleotide variant.
Coding change: c.283C>T on transcript NM_032898.5 (MANE Select); coding-DNA position 283, C replaced by T.
Protein change: p.Arg95Trp; replaces arginine 95 with tryptophan.
Molecular consequence: missense variant.
Genome position (GRCh38, 1-based): chr3:196,707,760, G>A on the plus strand (C>T on the coding strand, the complement: CEP19 is on the minus strand). VCF-style: chr3-196707760-G-A. GRCh37 (hg19) VCF-style: chr3-196434631-G-A.
Other names: c.178C>T, p.Arg60Trp (NM_001379468.1); c.283C>T, p.Arg95Trp (NM_001379469.1, NM_001379470.1); short protein forms R60W, R95W.
Identifiers: ClinVar variation 1384958 (VCV001384958.4), dbSNP rs201163650, ClinGen allele CA2782109.

ClinVar aggregate classification (germline): Uncertain significance. Review status: criteria provided, multiple submitters, no conflicts (2 of 4 stars). 2 submissions from 2 submitters: Uncertain significance (2). Last evaluated 2025-05-18.

Conditions:
Obesity due to CEP19 deficiency. Also called: Morbid obesity and spermatogenic failure. Identifiers: Orphanet 397615, MedGen C3810324, MONDO:0014309, OMIM 615703.

Allele frequency attached by ClinVar (database versions not stated): TOPMed 0.00005; ESP Exome Variant Server 0.00008; gnomAD 0.00009; 1000 Genomes Project 30x 0.00016; 1000 Genomes Project 0.00020.
gnomAD v4.1: 219 of 1,614,054 alleles (0.014%); highest among the groups gnomAD compares: Non-Finnish European, 0.01%; 1 homozygote.

Submissions (2):

Labcorp Genetics (formerly Invitae), Labcorp
Classification: Uncertain significance. Last evaluated: 2025-05-18. Review status: criteria provided, single submitter. Criteria: Invitae Variant Classification Sherloc (09022015). Collection method: clinical testing. Allele origin: germline.
Comment: This sequence change replaces arginine, which is basic and polar, with tryptophan, which is neutral and slightly polar, at codon 99 of the CEP19 protein (p.Arg99Trp). This variant is present in population databases (rs201163650, gnomAD 0.1%). This variant has not been reported in the literature in individuals affected with CEP19-related conditions. ClinVar contains an entry for this variant (Variation ID: 1384958). An algorithm developed to predict the effect of missense changes on protein structure and function (PolyPhen-2) suggests that this variant is likely to be tolerated. In summary, the available evidence is currently insufficient to determine the role of this variant in disease. Therefore, it has been classified as a Variant of Uncertain Significance.

New York Genome Center
Classification: Uncertain significance for Obesity due to CEP19 deficiency. Last evaluated: 2022-03-25. Review status: criteria provided, single submitter. Criteria: NYGC Assertion Criteria 2020. Collection method: clinical testing. Allele origin: germline. Observed: 1 heterozygote.